The following is an entry in ClinVar:

ClinVar aggregate classification (germline): Pathogenic (1 of 4 stars; one submission).

Conditions:
Immunodeficiency 35 (IMD35). Also called: HIES WITH ATYPICAL MYCOBACTERIOSIS, AUTOSOMAL RECESSIVE; HYPER-IgE SYNDROME WITH ATYPICAL MYCOBACTERIOSIS, AUTOSOMAL RECESSIVE; Susceptibility to infection due to TYK2 deficiency; TYK2 DEFICIENCY. Identifiers: Orphanet 331226, MedGen C1969086, MONDO:0012682, OMIM 611521.

Submission:

Labcorp Genetics (formerly Invitae), Labcorp
Classification: Pathogenic for Immunodeficiency 35. Last evaluated: 2025-07-17. Review status: criteria provided, single submitter. Criteria: Invitae Variant Classification Sherloc (09022015). Collection method: clinical testing. Allele origin: germline.
Comment: This sequence change creates a premature translational stop signal (p.Lys1077Thrfs*17) in the TYK2 gene. It is expected to result in an absent or disrupted protein product. Loss-of-function variants in TYK2 are known to be pathogenic (PMID: 22402565, 26304966). This variant is not present in population databases (gnomAD no frequency). This variant has not been reported in the literature in individuals affected with TYK2-related conditions. For these reasons, this variant has been classified as Pathogenic.

Literature cited by the submitters: PubMed 22402565; PubMed 26304966.

NM_003331.5(TYK2):c.3229_3230insC (p.Lys1077fs)

Gene: TYK2 (tyrosine kinase 2; minus strand). Cytogenetic location: 19p13.2.
Variant type: Insertion.
Coding change: c.3229_3230insC on transcript NM_003331.5 (MANE Select); coding-DNA positions 3229 to 3230, C inserted.
Protein change: p.Lys1077fs; shifts the reading frame from lysine 1077.
Molecular consequence: frameshift variant. On other transcripts: intron variant (1).
Genome position: GRCh38 VCF-style: chr19-10352522-T-TG. GRCh37 (hg19) VCF-style: chr19-10463198-T-TG.
Other names: c.3229_3230insC, p.Lys1077fs (NM_001385197.1, NM_001406461.1); c.3043_3044insC, p.Lys1015fs (NM_001385199.1); c.3226_3227insC, p.Lys1076fs (NM_001385200.1); c.3031_3032insC, p.Lys1011fs (NM_001385201.1); c.3145_3146insC, p.Lys1049fs (NM_001385202.1); c.3310_3311insC, p.Lys1104fs (NM_001385203.1); c.3439_3440insC, p.Lys1147fs (NM_001385204.1); c.3139_3140insC, p.Lys1047fs (NM_001385205.1); and 3 more; short protein forms K1035fs, K1076fs, K1147fs, K1047fs, K1049fs, K1104fs, K1011fs, K1015fs.
Identifiers: ClinVar variation 4722157 (VCV004722157.1).
Genomic context (GRCh38, chr19:10,352,522, plus strand): 5'-TGCGTCAGCAGCTCATACAGGGTCACCCCGAAGGACCAGACATCTGACGCATAGTAGAAC[T>TG]TATACTCCTTCAGGCACTCTGGGGCATACCTAGGGGGAGGGGGGCACTCAGGCCACGGGG-3'